The following is an entry in ClinVar:

NM_000488.4(SERPINC1):c.995C>T (p.Thr332Ile)

Gene: SERPINC1 (serpin family C member 1; minus strand). Cytogenetic location: 1q25.1.
Variant type: single nucleotide variant.
Coding change: c.995C>T on transcript NM_000488.4 (MANE Select); coding-DNA position 995, C replaced by T.
Protein change: p.Thr332Ile; replaces threonine 332 with isoleucine.
Molecular consequence: missense variant.
Genome position (GRCh38, 1-based): chr1:173,909,710, G>A on the plus strand (C>T on the coding strand, the complement: SERPINC1 is on the minus strand). VCF-style: chr1-173909710-G-A. GRCh37 (hg19) VCF-style: chr1-173878848-G-A.
Other names: c.851C>T, p.Thr284Ile (NM_001365052.2); c.1118C>T, p.Thr373Ile (NM_001386302.1); c.1076C>T, p.Thr359Ile (NM_001386303.1); c.974C>T, p.Thr325Ile (NM_001386304.1); c.938C>T, p.Thr313Ile (NM_001386305.1); c.779C>T, p.Thr260Ile (NM_001386306.1); short protein forms T332I, T284I, T260I, T313I, T325I, T359I, T373I.
Identifiers: ClinVar variation 220768 (VCV000220768.5), dbSNP rs567550044, ClinGen allele CA349809.

ClinVar aggregate classification (germline): Uncertain significance (1 of 4 stars; one submission).

Conditions:
Hereditary antithrombin deficiency (AT3D). Also called: Reduced antithrombin III activity; Antithrombin deficiency; Antithrombin III deficiency; Thrombophilia due to antithrombin III deficiency. Identifiers: Orphanet 82, MedGen C0272375, MONDO:0013144, OMIM 613118, HP:0001976.

Allele frequency attached by ClinVar (database versions not stated): gnomAD exomes 0.00001 and 0.00002; ExAC 0.00002; gnomAD 0.00003 and 0.00005; TOPMed 0.00006; 1000 Genomes Project 0.00020; 1000 Genomes Project 30x 0.00031.
gnomAD v4.1: 10 of 1,614,172 alleles (0.00062%); highest among the groups gnomAD compares: African/African-American, 0.011%; no homozygotes.

Submission:

Labcorp Genetics (formerly Invitae), Labcorp
Classification: Uncertain significance for Hereditary antithrombin deficiency. Last evaluated: 2015-10-26. Review status: criteria provided, single submitter. Criteria: Invitae Variant Classification Sherloc (09022015). Collection method: clinical testing. Allele origin: germline.
Comment: This sequence change replaces threonine with isoleucine at codon 332 of the SERPINC1 protein (p.Thr332Ile). The threonine residue is highly conserved and there is a moderate physicochemical difference between threonine and isoleucine. In summary, this is a novel missense change with uncertain impact on protein function. It has been classified as a Variant of Uncertain Significance. Algorithms developed to predict the effect of missense changes on protein structure and function do not agree on the potential impact of this missense change (SIFT: "Deleterious"; PolyPhen-2: "Benign"; Align-GVGD: "Class C15"). This variant is present in population databases (rs567550044, ExAC 0.02%) but has not been reported in the literature.